The following is an entry in ClinVar:

NM_018026.4(PACS1):c.1126T>G (p.Tyr376Asp)

Gene: PACS1 (phosphofurin acidic cluster sorting protein 1; plus strand). Cytogenetic location: 11q13.2.
Variant type: single nucleotide variant.
Coding change: c.1126T>G on transcript NM_018026.4 (MANE Select); coding-DNA position 1126, T replaced by G.
Protein change: p.Tyr376Asp; replaces tyrosine 376 with aspartic acid.
Molecular consequence: missense variant.
Genome position (GRCh38, 1-based): chr11:66,220,718, T>G. VCF-style: chr11-66220718-T-G. GRCh37 (hg19) VCF-style: chr11-65988189-T-G.
Other names: short protein forms Y376D.
Identifiers: ClinVar variation 2048356 (VCV002048356.4), dbSNP rs2495561192, ClinGen allele CA381356931.

ClinVar aggregate classification (germline): Uncertain significance (1 of 4 stars; one submission).

Conditions:
Schuurs-Hoeijmakers syndrome. Also called: PACS1-Related Neurodevelopmental Disorder. Identifiers: Orphanet 329224, MedGen C3554343, MONDO:0014006, OMIM 615009.

Submission:

Labcorp Genetics (formerly Invitae), Labcorp
Classification: Uncertain significance for Schuurs-Hoeijmakers syndrome. Last evaluated: 2021-12-19. Review status: criteria provided, single submitter. Criteria: Invitae Variant Classification Sherloc (09022015). Collection method: clinical testing. Allele origin: germline.
Comment: Algorithms developed to predict the effect of missense changes on protein structure and function are either unavailable or do not agree on the potential impact of this missense change (SIFT: "Deleterious"; PolyPhen-2: "Possibly Damaging"; Align-GVGD: "Class C0"). In summary, the available evidence is currently insufficient to determine the role of this variant in disease. Therefore, it has been classified as a Variant of Uncertain Significance. This sequence change replaces tyrosine, which is neutral and polar, with aspartic acid, which is acidic and polar, at codon 376 of the PACS1 protein (p.Tyr376Asp). This variant is not present in population databases (gnomAD no frequency). This variant has not been reported in the literature in individuals affected with PACS1-related conditions.